The following is an entry in ClinVar:

ClinVar aggregate classification (germline): Uncertain significance. Review status: criteria provided, multiple submitters, no conflicts (2 of 4 stars). 2 submissions from 2 submitters: Uncertain significance (2). Last evaluated 2022-08-15.

Allele frequency attached by ClinVar (database versions not stated): gnomAD exomes below 0.00001; ExAC 0.00001; gnomAD 0.00001; 1000 Genomes Project 30x 0.00016; 1000 Genomes Project 0.00020.

Submissions (2):

Labcorp Genetics (formerly Invitae), Labcorp
Classification: Uncertain significance. Last evaluated: 2022-08-15. Review status: criteria provided, single submitter. Criteria: Invitae Variant Classification Sherloc (09022015). Collection method: clinical testing. Allele origin: germline.
Comment: This variant is present in population databases (rs557753370, gnomAD 0.003%). This variant has not been reported in the literature in individuals affected with KIZ-related conditions. ClinVar contains an entry for this variant (Variation ID: 1382030). Experimental studies and prediction algorithms are not available or were not evaluated, and the functional significance of this variant is currently unknown. Algorithms developed to predict the effect of sequence changes on RNA splicing suggest that this variant may create or strengthen a splice site. In summary, the available evidence is currently insufficient to determine the role of this variant in disease. Therefore, it has been classified as a Variant of Uncertain Significance. This sequence change replaces glutamic acid with valine at codon 505 of the KIZ protein (p.Glu505Val).

Blueprint Genetics
Classification: Uncertain significance. Last evaluated: 2022-05-10. Review status: criteria provided, single submitter. Criteria: ACMG Guidelines, 2015. Collection method: clinical testing. Allele origin: germline.

NM_018474.6(KIZ):c.1514A>T (p.Glu505Val)

Genes: KIZ (kizuna centrosomal protein; plus strand), KIZ-AS1 (KIZ antisense RNA 1; minus strand). Cytogenetic location: 20p11.23.
Variant type: single nucleotide variant.
Coding change: c.1514A>T on transcript NM_018474.6 (MANE Select); coding-DNA position 1514, A replaced by T.
Protein change: p.Glu505Val; replaces glutamic acid 505 with valine.
Molecular consequence: missense variant.
Genome position (GRCh38, 1-based): chr20:21,214,602, A>T. VCF-style: chr20-21214602-A-T. GRCh37 (hg19) VCF-style: chr20-21195240-A-T.
Other names: c.1205A>T, p.Glu402Val (NM_001163022.3); c.1115A>T, p.Glu372Val (NM_001163023.3); c.1367A>T, p.Glu456Val (NM_001276389.2); c.1460A>T, p.Glu487Val (NM_001352434.2); c.1151A>T, p.Glu384Val (NM_001352435.2); c.1172A>T, p.Glu391Val (NM_001352436.2); short protein forms E384V, E391V, E487V, E402V, E456V, E372V, E505V.
Identifiers: ClinVar variation 1382030 (VCV001382030.7), dbSNP rs557753370, ClinGen allele CA9784893.